The following is an entry in ClinVar:

NM_002693.3(POLG):c.3358T>C (p.Phe1120Leu)

Gene: POLG (DNA polymerase gamma, catalytic subunit; minus strand). Cytogenetic location: 15q26.1.
Variant type: single nucleotide variant.
Coding change: c.3358T>C on transcript NM_002693.3 (MANE Select); coding-DNA position 3358, T replaced by C.
Protein change: p.Phe1120Leu; replaces phenylalanine 1120 with leucine.
Molecular consequence: missense variant.
Genome position (GRCh38, 1-based): chr15:89,318,665, A>G on the plus strand (T>C on the coding strand, the complement: POLG is on the minus strand). VCF-style: chr15-89318665-A-G. GRCh37 (hg19) VCF-style: chr15-89861896-A-G.
Other names: c.3358T>C, p.Phe1120Leu (NM_001126131.2); short protein forms F1120L.
Identifiers: ClinVar variation 3695949 (VCV003695949.2).
Genomic context (GRCh38, chr15:89,318,665, plus strand): 5'-GGTAGCGAACCTCGTCATGGATGCTGATGCAGAAGCGCCCATCTATGGCAAACTCTTCAA[A>G]CAGCCACTTCATGGCCACAAGCATGAGGTGTAAGTAGTCAACAGCAGAGCTCTGTACCAC-3'
Protein context (NP_002684.1, residues 1110-1130): HLMLVAMKWL[Phe1120Leu]EEFAIDGRFC

ClinVar aggregate classification (germline): Uncertain significance (1 of 4 stars; one submission).

Conditions:
Progressive sclerosing poliodystrophy (MTDPS4A). Also called: ALPERS PROGRESSIVE INFANTILE POLIODYSTROPHY; NEURONAL DEGENERATION OF CHILDHOOD WITH LIVER DISEASE, PROGRESSIVE; Alpers Syndrome; ALPERS DIFFUSE DEGENERATION OF CEREBRAL GRAY MATTER WITH HEPATIC CIRRHOSIS; Alpers-Huttenlocher Syndrome; Mitochondrial DNA depletion syndrome 4A (Alpers type). Identifiers: Orphanet 726, MedGen C0205710, MONDO:0008758, OMIM 203700.

gnomAD v4.1: 5 of 1,614,000 alleles (0.00031%); highest among the groups gnomAD compares: East Asian, 0.0067%; no homozygotes.

Submission:

Labcorp Genetics (formerly Invitae), Labcorp
Classification: Uncertain significance for Progressive sclerosing poliodystrophy. Last evaluated: 2025-01-22. Review status: criteria provided, single submitter. Criteria: Invitae Variant Classification Sherloc (09022015). Collection method: clinical testing. Allele origin: germline.
Comment: This sequence change replaces phenylalanine, which is neutral and non-polar, with leucine, which is neutral and non-polar, at codon 1120 of the POLG protein (p.Phe1120Leu). This variant is present in population databases (rs776720231, gnomAD 0.01%). This variant has not been reported in the literature in individuals affected with POLG-related conditions. Invitae Evidence Modeling of protein sequence and biophysical properties (such as structural, functional, and spatial information, amino acid conservation, physicochemical variation, residue mobility, and thermodynamic stability) indicates that this missense variant is not expected to disrupt POLG protein function with a negative predictive value of 95%. In summary, the available evidence is currently insufficient to determine the role of this variant in disease. Therefore, it has been classified as a Variant of Uncertain Significance.